The following is an entry in ClinVar:

NM_004766.3(COPB2):c.2635G>A (p.Glu879Lys)

Gene: COPB2 (coat protein complex I subunit beta 2; minus strand). Cytogenetic location: 3q23.
Variant type: single nucleotide variant.
Coding change: c.2635G>A on transcript NM_004766.3 (MANE Select); coding-DNA position 2635, G replaced by A.
Protein change: p.Glu879Lys; replaces glutamic acid 879 with lysine.
Molecular consequence: missense variant. On other transcripts: non-coding transcript variant (1).
Genome position (GRCh38, 1-based): chr3:139,357,949, C>T on the plus strand (G>A on the coding strand, the complement: COPB2 is on the minus strand). VCF-style: chr3-139357949-C-T. GRCh37 (hg19) VCF-style: chr3-139076791-C-T.
Other names: c.2548G>A, p.Glu850Lys (NM_001410834.1); short protein forms E879K, E850K.
Identifiers: ClinVar variation 3268949 (VCV003268949.3).

ClinVar aggregate classification (germline): Uncertain significance. Review status: criteria provided, multiple submitters, no conflicts (2 of 4 stars). 2 submissions from 2 submitters: Uncertain significance (2). Last evaluated 2024-10-30.

Conditions:
Inborn genetic diseases. Identifiers: MedGen C0950123, MeSH D030342.

gnomAD v4.1: 23 of 1,579,096 alleles (0.0015%); highest among the groups gnomAD compares: East Asian, 0.009%; no homozygotes.

Submissions (2):

Labcorp Genetics (formerly Invitae), Labcorp
Classification: Uncertain significance. Last evaluated: 2024-10-30. Review status: criteria provided, single submitter. Criteria: Invitae Variant Classification Sherloc (09022015). Collection method: clinical testing. Allele origin: germline.
Comment: This sequence change replaces glutamic acid, which is acidic and polar, with lysine, which is basic and polar, at codon 879 of the COPB2 protein (p.Glu879Lys). The frequency data for this variant in the population databases is considered unreliable, as metrics indicate poor data quality at this position in the gnomAD database. This variant has not been reported in the literature in individuals affected with COPB2-related conditions. An algorithm developed to predict the effect of missense changes on protein structure and function (PolyPhen-2) suggests that this variant is likely to be tolerated. In summary, the available evidence is currently insufficient to determine the role of this variant in disease. Therefore, it has been classified as a Variant of Uncertain Significance.

Ambry Genetics
Classification: Uncertain significance for Inborn genetic diseases. Last evaluated: 2024-05-20. Review status: criteria provided, single submitter. Criteria: Ambry Variant Classification Scheme 2023. Collection method: clinical testing. Allele origin: germline.